The following is an entry in ClinVar:

NM_001111125.3(IQSEC2):c.4252C>T (p.Pro1418Ser)

Gene: IQSEC2 (IQ motif and Sec7 domain ArfGEF 2; minus strand). Cytogenetic location: Xp11.22.
Variant type: single nucleotide variant.
Coding change: c.4252C>T on transcript NM_001111125.3 (MANE Select); coding-DNA position 4252, C replaced by T.
Protein change: p.Pro1418Ser; replaces proline 1418 with serine.
Molecular consequence: missense variant. On other transcripts: 3 prime UTR variant (1).
Genome position (GRCh38, 1-based): chrX:53,234,434, G>A on the plus strand (C>T on the coding strand, the complement: IQSEC2 is on the minus strand). VCF-style: chrX-53234434-G-A. GRCh37 (hg19) VCF-style: chrX-53263616-G-A.
Other names: c.*737C>T (NM_015075.2); short protein forms P1418S.
Identifiers: ClinVar variation 941034 (VCV000941034.11), dbSNP rs1556859015, ClinGen allele CA413138947.
Genomic context (GRCh38, chrX:53,234,434, plus strand): 5'-GATAGGAGGGGTGGGGTGGGATGGGTGAGTGTGGTGACAATGGTGACTGGGGGTGGTGGG[G>A]GTGGGAGTAGGAGCCCCCTGGTGGCCGGGATCCAGGGCCCCCAGCCGCGCCTGCTGCTGG-3'
Protein context (NP_001104595.1, residues 1408-1428): SRPPGGSYSH[Pro1418Ser]HHPQSPLSPH

ClinVar aggregate classification (germline): Uncertain significance. Review status: criteria provided, single submitter (1 of 4 stars). 2 submissions from 2 submitters: Uncertain significance (1). 1 of the submissions does not count toward it. Last evaluated 2025-07-18.

Conditions:
Intellectual developmental disorder, X-linked 1. Also called: Atkin Flaitz Patil Smith syndrome; MENTAL RETARDATION, X-LINKED 18; MENTAL RETARDATION, X-LINKED 78; Intellectual disability, X-linked 1. Identifiers: Orphanet 777, MedGen C2931498, MONDO:0010656, OMIM 309530.
IQSEC2-related disorder. Also called: IQSEC2-related condition.

Submissions (2):

Labcorp Genetics (formerly Invitae), Labcorp
Classification: Uncertain significance for Intellectual developmental disorder, X-linked 1. Last evaluated: 2025-07-18. Review status: criteria provided, single submitter. Criteria: Invitae Variant Classification Sherloc (09022015). Collection method: clinical testing. Allele origin: germline.
Comment: This sequence change replaces proline, which is neutral and non-polar, with serine, which is neutral and polar, at codon 1418 of the IQSEC2 protein (p.Pro1418Ser). The frequency data for this variant in the population databases is considered unreliable, as metrics indicate poor data quality at this position in the gnomAD database. This variant has not been reported in the literature in individuals affected with IQSEC2-related conditions. ClinVar contains an entry for this variant (Variation ID: 941034). Invitae Evidence Modeling of protein sequence and biophysical properties (such as structural, functional, and spatial information, amino acid conservation, physicochemical variation, residue mobility, and thermodynamic stability) indicates that this missense variant is not expected to disrupt IQSEC2 protein function with a negative predictive value of 95%. In summary, the available evidence is currently insufficient to determine the role of this variant in disease. Therefore, it has been classified as a Variant of Uncertain Significance.

PreventionGenetics, part of Exact Sciences
Classification: Uncertain significance for IQSEC2-related condition. Last evaluated: 2024-08-15. Review status: no assertion criteria provided. Collection method: clinical testing. Allele origin: germline. Not counted in ClinVar's aggregate classification.
Comment: The IQSEC2 c.4252C>T variant is predicted to result in the amino acid substitution p.Pro1418Ser. To our knowledge, this variant has not been reported in the literature. This variant is reported in 0.0089% of alleles in individuals of European (Non-Finnish) descent in gnomAD. At this time, the clinical significance of this variant is uncertain due to the absence of conclusive functional and genetic evidence.